The following is an entry in ClinVar:

ClinVar aggregate classification (germline): Pathogenic. Review status: criteria provided, single submitter (1 of 4 stars). 2 submissions from 2 submitters: Pathogenic (1). 1 of the submissions does not count toward it. Last evaluated 2022-06-04.

Conditions:
Osteogenesis imperfecta type I (OI1). Also called: OI, TYPE I; OSTEOGENESIS IMPERFECTA TARDA; OSTEOGENESIS IMPERFECTA WITH BLUE SCLERAE; Lobstein disease; Osteogenesis imperfecta type 1; Lobstein's Disease. Identifiers: Orphanet 216796, Orphanet 666, MedGen C0023931, MONDO:0008146, OMIM 166200. Disease mechanism: loss of function.
Osteogenesis imperfecta with normal sclerae, dominant form (OI4). Also called: OSTEOGENESIS IMPERFECTA WITH NORMAL SCLERAE; OSTEOGENESIS IMPERFECTA, TYPE IV, WITH DENTINOGENESIS IMPERFECTA; Osteogenesis imperfecta type 4; Osteogenesis Imperfecta Type IV; Common Variable Osteogenesis Imperfecta with Normal Sclerae. Identifiers: Orphanet 216820, Orphanet 666, MedGen C0268363, MONDO:0008148, OMIM 166220.

Submissions (2):

Labcorp Genetics (formerly Invitae), Labcorp
Classification: Pathogenic for Osteogenesis imperfecta type I. Last evaluated: 2022-06-04. Review status: criteria provided, single submitter. Criteria: Invitae Variant Classification Sherloc (09022015). Collection method: clinical testing. Allele origin: germline.
Comment: This variant disrupts the triple helix domain of COL1A1. Glycine residues within the Gly-Xaa-Yaa repeats of the triple helix domain are required for the structure and stability of fibrillar collagens (PMID: 7695699, 8218237, 19344236). In COL1A1, variants affecting these glycine residues are significantly enriched in individuals with disease (PMID: 9016532, 17078022) compared to the general population (ExAC). Algorithms developed to predict the effect of missense changes on protein structure and function are either unavailable or do not agree on the potential impact of this missense change (SIFT: "Deleterious"; PolyPhen-2: "Not Available"; Align-GVGD: "Class C65"). ClinVar contains an entry for this variant (Variation ID: 17286). This missense change has been observed in individual(s) with osteogenesis imperfecta (PMID: 31447884). This variant is not present in population databases (gnomAD no frequency). This sequence change replaces glycine, which is neutral and non-polar, with cysteine, which is neutral and slightly polar, at codon 353 of the COL1A1 protein (p.Gly353Cys). For these reasons, this variant has been classified as Pathogenic.

OMIM
Classification: Pathogenic for OSTEOGENESIS IMPERFECTA, TYPE IV. Last evaluated: 1991-11-15. Review status: no assertion criteria provided. Collection method: literature only. Allele origin: germline. Not counted in ClinVar's aggregate classification.

Literature cited by the submitters: PubMed 7695699 (cited by Labcorp Genetics (formerly Invitae), Labcorp); PubMed 8218237 (cited by Labcorp Genetics (formerly Invitae), Labcorp); PubMed 19344236 (cited by Labcorp Genetics (formerly Invitae), Labcorp); PubMed 9016532 (cited by Labcorp Genetics (formerly Invitae), Labcorp); PubMed 17078022 (cited by Labcorp Genetics (formerly Invitae), Labcorp); PubMed 31447884 (cited by Labcorp Genetics (formerly Invitae), Labcorp); de Vries, W. N., de Wet, W. J. Development and diseases of cartilage and bone matrix. In: Sen, A., Thornhill, T. (eds.) UCLA Symposia on Molecular and Cellular Biology--New Series. Vol. 46. New York: Alan R. Liss (pub.) 1987. (cited by OMIM); PubMed 1718984 (cited by OMIM).

NM_000088.4(COL1A1):c.1057G>T (p.Gly353Cys)

Gene: COL1A1 (collagen type I alpha 1 chain; minus strand). Cytogenetic location: 17q21.33.
Variant type: single nucleotide variant.
Coding change: c.1057G>T on transcript NM_000088.4 (MANE Select); coding-DNA position 1057, G replaced by T.
Protein change: p.Gly353Cys; replaces glycine 353 with cysteine.
Molecular consequence: missense variant.
Genome position (GRCh38, 1-based): chr17:50,195,665, C>A on the plus strand (G>T on the coding strand, the complement: COL1A1 is on the minus strand). VCF-style: chr17-50195665-C-A. GRCh37 (hg19) VCF-style: chr17-48273026-C-A.
Other names: G175C; short protein forms G353C.
Identifiers: ClinVar variation 17286 (VCV000017286.7), dbSNP rs66721653, ClinGen allele CA257812.